The following is an entry in ClinVar:

NM_033118.4(MYLK2):c.933G>C (p.Leu311=)

Gene: MYLK2 (myosin light chain kinase 2; plus strand). Cytogenetic location: 20q11.21.
Variant type: single nucleotide variant.
Coding change: c.933G>C on transcript NM_033118.4 (MANE Select); coding-DNA position 933, G replaced by C.
Protein change: p.Leu311=; no amino-acid change (leucine 311 retained).
Molecular consequence: synonymous variant.
Genome position (GRCh38, 1-based): chr20:31,824,313, G>C. VCF-style: chr20-31824313-G-C. GRCh37 (hg19) VCF-style: chr20-30412116-G-C.
Identifiers: ClinVar variation 513349 (VCV000513349.4), dbSNP rs146745888, ClinGen allele CA9803054.
Genomic context (GRCh38, chr20:31,824,313, plus strand): 5'-TTCCAGTGGCAAGTTTGGGGCAGTCTGTACCTGCATGGAGAAAGCCACAGGCCTCAAGCT[G>C]GCAGCCAAGGTCATCAAGAAACAGACTCCCAAAGACAAGGTAGTGAGGTTGCGGGGGTGG-3'
Protein context (NP_149109.1, residues 301-321): TCMEKATGLK[Leu311=]AAKVIKKQTP

ClinVar aggregate classification (germline): Likely benign. Review status: criteria provided, multiple submitters, no conflicts (2 of 4 stars). 2 submissions from 2 submitters: Likely benign (2). Last evaluated 2024-01-29.

Conditions:
Hypertrophic cardiomyopathy 1 (CMH1). Also called: Familial hypertrophic cardiomyopathy 1; MYH7-Related Familial Hypertrophic Cardiomyopathy. Identifiers: MedGen C3495498, MONDO:0008647, OMIM 192600.

Allele frequency attached by ClinVar (database versions not stated): gnomAD exomes 0.00001; gnomAD 0.00002 and 0.00009; TOPMed 0.00002; ExAC 0.00003; ESP Exome Variant Server 0.00015.
gnomAD v4.1: 54 of 1,613,550 alleles (0.0033%); highest among the groups gnomAD compares: African/African-American, 0.036%; 1 homozygote.

Submissions (2):

Labcorp Genetics (formerly Invitae), Labcorp
Classification: Likely benign for Hypertrophic cardiomyopathy 1. Last evaluated: 2024-01-29. Review status: criteria provided, single submitter. Criteria: Invitae Variant Classification Sherloc (09022015). Collection method: clinical testing. Allele origin: germline.

GeneDx
Classification: Likely benign. Last evaluated: 2017-11-20. Review status: criteria provided, single submitter. Criteria: GeneDx Variant Classification (06012015). Collection method: clinical testing. Allele origin: germline. Affected: yes.
Comment: This variant is considered likely benign or benign based on one or more of the following criteria: it is a conservative change, it occurs at a poorly conserved position in the protein, it is predicted to be benign by multiple in silico algorithms, and/or has population frequency not consistent with disease.